The following is an entry in ClinVar:

ClinVar aggregate classification (germline): Likely benign. Review status: criteria provided, multiple submitters, no conflicts (2 of 4 stars). 2 submissions from 2 submitters: Likely benign (2). Last evaluated 2026-06-01.

Conditions:
Ullrich congenital muscular dystrophy 2 (UCMD2). Identifiers: Orphanet 75840, MedGen C4225314, MONDO:0014654, OMIM 616470.
Bethlem myopathy 2 (BTHLM2). Identifiers: Orphanet 536516, Orphanet 610, MedGen C4225313, MONDO:0034022, OMIM 616471.

Allele frequency attached by ClinVar (database versions not stated): TOPMed 0.00001; gnomAD exomes 0.00005 and 0.00008; ExAC 0.00007.

Submissions (2):

CeGaT Center for Human Genetics Tuebingen
Classification: Likely benign. Last evaluated: 2026-06-01. Review status: criteria provided, single submitter. Criteria: CeGaT Center For Human Genetics Tuebingen Variant Classification Criteria Version 2. Collection method: clinical testing. Allele origin: germline. Affected: yes. Observed: 1 variant allele.
Comment: COL12A1: BP4, BP7

Labcorp Genetics (formerly Invitae), Labcorp
Classification: Likely benign for Bethlem myopathy 2; Ullrich congenital muscular dystrophy 2. Last evaluated: 2025-12-26. Review status: criteria provided, single submitter. Criteria: Invitae Variant Classification Sherloc (09022015). Collection method: clinical testing. Allele origin: germline.

NM_004370.6(COL12A1):c.3069C>T (p.Val1023=)

Gene: COL12A1 (collagen type XII alpha 1 chain; minus strand). Cytogenetic location: 6q13.
Variant type: single nucleotide variant.
Coding change: c.3069C>T on transcript NM_004370.6 (MANE Select); coding-DNA position 3069, C replaced by T.
Protein change: p.Val1023=; no amino-acid change (valine 1023 retained).
Molecular consequence: synonymous variant. On other transcripts: intron variant (1).
Genome position (GRCh38, 1-based): chr6:75,156,438, G>A on the plus strand (C>T on the coding strand, the complement: COL12A1 is on the minus strand). VCF-style: chr6-75156438-G-A. GRCh37 (hg19) VCF-style: chr6-75866154-G-A.
Other names: c.74-3956C>T (NM_080645.3).
Identifiers: ClinVar variation 737041 (VCV000737041.13), dbSNP rs746395625, ClinGen allele CA3893809.